The following is an entry in ClinVar:

ClinVar aggregate classification (germline): Uncertain significance (1 of 4 stars; one submission).

Conditions:
Epidermodysplasia verruciformis. Identifiers: Orphanet 302, MedGen C0014522, MONDO:0009176.

Submission:

Labcorp Genetics (formerly Invitae), Labcorp
Classification: Uncertain significance for Epidermodysplasia verruciformis. Last evaluated: 2018-11-28. Review status: criteria provided, single submitter. Criteria: Invitae Variant Classification Sherloc (09022015). Collection method: clinical testing. Allele origin: germline.
Comment: This sequence change replaces glycine with alanine at codon 530 of the TMC6 protein (p.Gly530Ala). The glycine residue is moderately conserved and there is a small physicochemical difference between glycine and alanine. This variant is not present in population databases (ExAC no frequency). This variant has not been reported in the literature in individuals with TMC6-related conditions. Algorithms developed to predict the effect of missense changes on protein structure and function (SIFT, PolyPhen-2, Align-GVGD) all suggest that this variant is likely to be tolerated, but these predictions have not been confirmed by published functional studies and their clinical significance is uncertain. In summary, the available evidence is currently insufficient to determine the role of this variant in disease. Therefore, it has been classified as a Variant of Uncertain Significance.

NM_001127198.5(TMC6):c.1589G>C (p.Gly530Ala)

Gene: TMC6 (transmembrane channel like 6; minus strand). Cytogenetic location: 17q25.3.
Variant type: single nucleotide variant.
Coding change: c.1589G>C on transcript NM_001127198.5 (MANE Select); coding-DNA position 1589, G replaced by C.
Protein change: p.Gly530Ala; replaces glycine 530 with alanine.
Molecular consequence: missense variant. On other transcripts: non-coding transcript variant (4), intron variant (2).
Genome position (GRCh38, 1-based): chr17:78,120,779, C>G on the plus strand (G>C on the coding strand, the complement: TMC6 is on the minus strand). VCF-style: chr17-78120779-C-G. GRCh37 (hg19) VCF-style: chr17-76116860-C-G.
Other names: c.1589G>C, p.Gly530Ala (NM_001321185.1, NM_001374596.1, NM_001375353.1 and 2 more transcripts); c.1535+234G>C (NM_001374594.1, NM_001374593.1); short protein forms G530A.
Identifiers: ClinVar variation 662509 (VCV000662509.8), dbSNP rs1467601497, ClinGen allele CA401227241.